The following is an entry in ClinVar:

ClinVar aggregate classification (germline): Conflicting classifications of pathogenicity. Review status: criteria provided, conflicting classifications (1 of 4 stars). 11 submissions from 11 submitters: Uncertain significance (5); Likely benign (5). 1 of the submissions does not count toward it. Last evaluated 2026-02-04.

Conditions:
Hereditary cancer-predisposing syndrome. Also called: Neoplastic Syndromes, Hereditary; Hereditary Cancer Syndrome; Hereditary neoplastic syndrome; Tumor predisposition. Identifiers: Orphanet 140162, MedGen C0027672, MeSH D009386, MONDO:0015356.
Hereditary breast ovarian cancer syndrome. Also called: Hereditary breast and ovarian cancer syndrome; Hereditary breast and/or ovarian cancer syndrome; BRCA1- and BRCA2-Associated Hereditary Breast and Ovarian Cancer; Hereditary breast and ovarian cancer; Breast and ovarian cancer; Hereditary breast and ovarian cancer syndrome (HBOC). Identifiers: Orphanet 145, MedGen C0677776, MeSH D061325, MONDO:0003582. Disease mechanism: loss of function.
Microcephaly, normal intelligence and immunodeficiency (NBS). Also called: Immunodeficiency, microcephaly with normal intelligence; SEEMANOVA SYNDROME II; Nijmegen breakage syndrome; Microcephaly with normal intelligence immunodeficiency and lymphoreticular malignancies; Nonsyndromal microcephaly autosomal recessive with normal intelligence; Seemanova syndrome 2. Identifiers: Orphanet 647, MedGen C0398791, MONDO:0009623, OMIM 251260.

Allele frequency attached by ClinVar (database versions not stated): gnomAD 0.00001; gnomAD exomes 0.00001; ExAC 0.00002; TOPMed 0.00003.

Submissions (11):

Labcorp Genetics (formerly Invitae), Labcorp
Classification: Likely benign for Microcephaly, normal intelligence and immunodeficiency. Last evaluated: 2026-02-04. Review status: criteria provided, single submitter. Criteria: Invitae Variant Classification Sherloc (09022015). Collection method: clinical testing. Allele origin: germline.

Institute for Biomarker Research, Medical Diagnostic Laboratories, L.L.C.
Classification: Likely benign for Hereditary cancer-predisposing syndrome. Last evaluated: 2024-06-11. Review status: criteria provided, single submitter. Criteria: ACMG Guidelines, 2015. Collection method: clinical testing. Allele origin: germline.

Genome-Nilou Lab
Classification: Uncertain significance for Microcephaly, normal intelligence and immunodeficiency. Last evaluated: 2021-11-07. Review status: criteria provided, single submitter. Criteria: ACMG Guidelines, 2015. Collection method: clinical testing. Allele origin: germline. Affected: no.

Sema4
Classification: Uncertain significance for Hereditary cancer-predisposing syndrome. Last evaluated: 2021-10-08. Review status: criteria provided, single submitter. Criteria: Sema4 Curation Guidelines. Collection method: curation. Allele origin: germline.
Comment: The NBN c.171+4T>C variant has been reported in at least one individual with prostate cancer (PMID: 29368341). It was observed in 3/251390 chromosomes across all populations in the large and broad cohorts of the Genome Aggregation Database (PMID: 32461654). The variant has been reported in ClinVar (Variation ID: 142185). Splice site prediction tools suggest the variant does not disrupt normal splicing, however these predictions have not been confirmed by transcriptional studies. The evidence is insufficient to meet ACMG/AMP criteria for classifying the variant as benign or pathogenic. Thus, the clinical significance of this variant is currently uncertain.

Ambry Genetics
Classification: Likely benign for Hereditary cancer-predisposing syndrome. Last evaluated: 2021-05-21. Review status: criteria provided, single submitter. Criteria: Ambry Variant Classification Scheme 2023. Collection method: clinical testing. Allele origin: germline.

Department of Pathology and Laboratory Medicine, Sinai Health System
Classification: Uncertain significance for Hereditary breast ovarian cancer syndrome. Last evaluated: 2020-04-20. Review status: criteria provided, single submitter. Criteria: ACMG Guidelines, 2015. Collection method: clinical testing. Allele origin: germline. Affected: yes.

GeneDx
Classification: Likely benign. Last evaluated: 2019-03-08. Review status: criteria provided, single submitter. Criteria: GeneDx Variant Classification Process June 2021. Collection method: clinical testing. Allele origin: germline. Affected: yes.
Comment: This variant is associated with the following publications: (PMID: 29368341)

Mendelics
Classification: Uncertain significance for Microcephaly, normal intelligence and immunodeficiency. Last evaluated: 2018-07-02. Review status: criteria provided, single submitter. Criteria: Mendelics Assertion Criteria 2017. Collection method: clinical testing. Allele origin: unknown.

PreventionGenetics, part of Exact Sciences
Classification: Likely benign. Last evaluated: 2017-03-17. Review status: criteria provided, single submitter. Criteria: ACMG Guidelines, 2015. Collection method: clinical testing. Allele origin: germline.

Women's Health and Genetics/Laboratory Corporation of America, LabCorp
Classification: Uncertain significance. Last evaluated: 2016-12-22. Review status: criteria provided, single submitter. Criteria: LabCorp Variant Classification Summary - May 2015. Collection method: clinical testing. Allele origin: germline.
Comment: Variant summary: The NBN c.171+4T>C variant involves the alteration of a non-conserved intronic nucleotide. One in silico tool predicts a damaging outcome for this variant. 3/5 splice prediction tools predict strengthen effect on a canonical splicing donor site, and ESEfinder predicts change of binding site for SR055. However, these predictions have yet to be confirmed by functional studies. This variant was found in 3/121362 control chromosomes at a frequency of 0.0000247, which does not exceed the estimated maximal expected allele frequency of a pathogenic NBN variant (0.0025). In addition, multiple clinical diagnostic laboratories/reputable databases classified this variant as uncertain significance. The variant of interest has not, to our knowledge, been reported in affected individuals via publications; nor evaluated for functional impact by in vivo/vitro studies. Because of the absence of clinical information and the lack of functional studies, the variant is classified as a variant of uncertain significance (VUS) until additional information becomes available.

Counsyl
Classification: Uncertain significance for Microcephaly, normal intelligence and immunodeficiency. Last evaluated: 2017-01-25. Review status: no assertion criteria provided. Collection method: clinical testing. Allele origin: unknown. Not counted in ClinVar's aggregate classification.

Literature cited by the submitters: PubMed 29368341 (cited by Sema4 and Ambry Genetics).

NM_002485.5(NBN):c.171+4T>C

Gene: NBN (nibrin; minus strand). Cytogenetic location: 8q21.3.
Variant type: single nucleotide variant.
Coding change: c.171+4T>C on transcript NM_002485.5 (MANE Select); 4 bases into the intron after coding-DNA position 171, T replaced by C.
Molecular consequence: intron variant.
Genome position (GRCh38, 1-based): chr8:89,982,718, A>G on the plus strand (T>C on the coding strand, the complement: NBN is on the minus strand). VCF-style: chr8-89982718-A-G. GRCh37 (hg19) VCF-style: chr8-90994946-A-G.
Other names: c.-126+4T>C (NM_001024688.3).
Identifiers: ClinVar variation 142185 (VCV000142185.29), dbSNP rs587782290, ClinGen allele CA167713.
Genomic context (GRCh38, chr8:89,982,718, plus strand): 5'-AAGAGAATATTTTGTGATTTCAACCCCCTTACTGGAAACTAGTGAAATAAAATTAGTAAC[A>G]TACCAGGTTGGTTACAGAAAAGTTAGCAGTTAACACAGCATGATTTCGGCTGATCGACTG-3'